The following is an entry in ClinVar:

ClinVar aggregate classification (germline): Uncertain significance (1 of 4 stars; one submission).

Submission:

Labcorp Genetics (formerly Invitae), Labcorp
Classification: Uncertain significance. Last evaluated: 2022-07-15. Review status: criteria provided, single submitter. Criteria: Invitae Variant Classification Sherloc (09022015). Collection method: clinical testing. Allele origin: germline.
Comment: This sequence change replaces proline, which is neutral and non-polar, with arginine, which is basic and polar, at codon 728 of the COL9A1 protein (p.Pro728Arg). This variant is not present in population databases (gnomAD no frequency). This variant has not been reported in the literature in individuals affected with COL9A1-related conditions. Advanced modeling of protein sequence and biophysical properties (such as structural, functional, and spatial information, amino acid conservation, physicochemical variation, residue mobility, and thermodynamic stability) performed at Invitae indicates that this missense variant is not expected to disrupt COL9A1 protein function. In summary, the available evidence is currently insufficient to determine the role of this variant in disease. Therefore, it has been classified as a Variant of Uncertain Significance.

NM_001851.6(COL9A1):c.2183C>G (p.Pro728Arg)

Gene: COL9A1 (collagen type IX alpha 1 chain; minus strand). Cytogenetic location: 6q13.
Variant type: single nucleotide variant.
Coding change: c.2183C>G on transcript NM_001851.6 (MANE Select); coding-DNA position 2183, C replaced by G.
Protein change: p.Pro728Arg; replaces proline 728 with arginine.
Molecular consequence: missense variant. On other transcripts: non-coding transcript variant (1), intron variant (1).
Genome position (GRCh38, 1-based): chr6:70,234,870, G>C on the plus strand (C>G on the coding strand, the complement: COL9A1 is on the minus strand). VCF-style: chr6-70234870-G-C. GRCh37 (hg19) VCF-style: chr6-70944573-G-C.
Other names: c.1484C>G, p.Pro495Arg (NM_001377289.1); c.1454C>G, p.Pro485Arg (NM_078485.4); c.1384-277C>G (NM_001377290.1); short protein forms P495R, P485R, P728R.
Identifiers: ClinVar variation 1967925 (VCV001967925.2), dbSNP rs1029245584, ClinGen allele CA364673308.